The following is an entry in ClinVar:

ClinVar aggregate classification (germline): Uncertain significance (1 of 4 stars; one submission).

Conditions:
Desmin-related myofibrillar myopathy (MFM1). Also called: Desminopathy; MYOFIBRILLAR MYOPATHY WITH ARRHYTHMOGENIC RIGHT VENTRICULAR CARDIOMYOPATHY; DESMIN-RELATED MYOPATHY WITH ARRHYTHMOGENIC RIGHT VENTRICULAR CARDIOMYOPATHY; Myofibrillar myopathy 1; Desmin related myopathy (former name); Desmin storage myopathy (former name). Identifiers: Orphanet 363543, Orphanet 98909, MedGen C1832370, MONDO:0011076, OMIM 601419.

Submission:

Labcorp Genetics (formerly Invitae), Labcorp
Classification: Uncertain significance for Desmin-related myofibrillar myopathy. Last evaluated: 2022-05-18. Review status: criteria provided, single submitter. Criteria: Invitae Variant Classification Sherloc (09022015). Collection method: clinical testing. Allele origin: germline.
Comment: In summary, the available evidence is currently insufficient to determine the role of this variant in disease. Therefore, it has been classified as a Variant of Uncertain Significance. This variant has not been reported in the literature in individuals affected with DES-related conditions. This variant is not present in population databases (gnomAD no frequency). This variant, c.482_490dup, results in the insertion of 3 amino acid(s) of the DES protein (p.Arg163_Arg164insGlnLeuArg), but otherwise preserves the integrity of the reading frame.

NM_001927.4(DES):c.482_490dup (p.Arg163_Arg164insGlnLeuArg)

Gene: DES (desmin; plus strand). Cytogenetic location: 2q35.
Variant type: Duplication.
Coding change: c.482_490dup on transcript NM_001927.4 (MANE Select); coding-DNA positions 482 to 490, 9 bases duplicated (AGCTGCGGC; older notation c.482_490dupAGCTGCGGC).
Protein change: p.Arg163_Arg164insGlnLeuArg.
Molecular consequence: inframe insertion.
Genome position (GRCh38, 1-based): chr2:219,418,944-219,418,952, AGCTGCGGC duplicated. VCF-style (leftmost placement, unchanged base first): chr2-219418943-G-GAGCTGCGGC. GRCh37 (hg19) VCF-style: chr2-220283665-G-GAGCTGCGGC.
Other names: c.482_490dup, p.Arg163_Arg164insGlnLeuArg (NM_001382708.1, NM_001382709.1, NM_001382710.1 and 3 more transcripts).
Identifiers: ClinVar variation 1996089 (VCV001996089.4), dbSNP rs2545248052, ClinGen allele CA2580065786.